The following is an entry in ClinVar:

ClinVar aggregate classification (germline): Uncertain significance (1 of 4 stars; one submission).

Conditions:
Progressive sclerosing poliodystrophy (MTDPS4A). Also called: ALPERS PROGRESSIVE INFANTILE POLIODYSTROPHY; NEURONAL DEGENERATION OF CHILDHOOD WITH LIVER DISEASE, PROGRESSIVE; Alpers Syndrome; ALPERS DIFFUSE DEGENERATION OF CEREBRAL GRAY MATTER WITH HEPATIC CIRRHOSIS; Alpers-Huttenlocher Syndrome; Mitochondrial DNA depletion syndrome 4A (Alpers type). Identifiers: Orphanet 726, MedGen C0205710, MONDO:0008758, OMIM 203700.

Submission:

Labcorp Genetics (formerly Invitae), Labcorp
Classification: Uncertain significance for Progressive sclerosing poliodystrophy. Last evaluated: 2024-06-29. Review status: criteria provided, single submitter. Criteria: Invitae Variant Classification Sherloc (09022015). Collection method: clinical testing. Allele origin: germline.
Comment: This sequence change replaces cysteine, which is neutral and slightly polar, with serine, which is neutral and polar, at codon 1077 of the POLG protein (p.Cys1077Ser). This variant is not present in population databases (gnomAD no frequency). This variant has not been reported in the literature in individuals affected with POLG-related conditions. Advanced modeling of protein sequence and biophysical properties (such as structural, functional, and spatial information, amino acid conservation, physicochemical variation, residue mobility, and thermodynamic stability) performed at Invitae indicates that this missense variant is expected to disrupt POLG protein function with a positive predictive value of 95%. In summary, the available evidence is currently insufficient to determine the role of this variant in disease. Therefore, it has been classified as a Variant of Uncertain Significance.

NM_002693.3(POLG):c.3230G>C (p.Cys1077Ser)

Gene: POLG (DNA polymerase gamma, catalytic subunit; minus strand). Cytogenetic location: 15q26.1.
Variant type: single nucleotide variant.
Coding change: c.3230G>C on transcript NM_002693.3 (MANE Select); coding-DNA position 3230, G replaced by C.
Protein change: p.Cys1077Ser; replaces cysteine 1077 with serine.
Molecular consequence: missense variant.
Genome position (GRCh38, 1-based): chr15:89,318,974, C>G on the plus strand (G>C on the coding strand, the complement: POLG is on the minus strand). VCF-style: chr15-89318974-C-G. GRCh37 (hg19) VCF-style: chr15-89862205-C-G.
Other names: c.3230G>C, p.Cys1077Ser (NM_001126131.2); short protein forms C1077S.
Identifiers: ClinVar variation 3672732 (VCV003672732.2).